The following is an entry in ClinVar:

ClinVar aggregate classification (germline): Benign. Review status: criteria provided, multiple submitters, no conflicts (2 of 4 stars). 2 submissions from 2 submitters: Benign (2). Last evaluated 2018-06-20.

Allele frequency attached by ClinVar (database versions not stated): gnomAD exomes 0.56801; gnomAD 0.61341 and 0.61390; TOPMed 0.62354; 1000 Genomes Project 0.66214; 1000 Genomes Project 30x 0.66396.
gnomAD v4.1: 526,831 of 915,114 alleles (58%); highest among the groups gnomAD compares: East Asian, 81%; 154,500 homozygotes.

Submissions (2):

GeneDx
Classification: Benign. Last evaluated: 2018-06-20. Review status: criteria provided, single submitter. Criteria: GeneDx Variant Classification (06012015). Collection method: clinical testing. Allele origin: germline. Affected: yes.
Comment: This variant is considered likely benign or benign based on one or more of the following criteria: it is a conservative change, it occurs at a poorly conserved position in the protein, it is predicted to be benign by multiple in silico algorithms, and/or has population frequency not consistent with disease.

Breakthrough Genomics
Classification: Benign. Review status: criteria provided, single submitter. Criteria: ACMG Guidelines, 2015. Collection method: not provided. Allele origin: germline. Inheritance: Autosomal recessive inheritance. Affected: yes.

NM_006231.4(POLE):c.1020+124A>G

Gene: POLE (DNA polymerase epsilon, catalytic subunit; minus strand). Cytogenetic location: 12q24.33.
Variant type: single nucleotide variant.
Coding change: c.1020+124A>G on transcript NM_006231.4 (MANE Select); 124 bases into the intron after coding-DNA position 1020, A replaced by G.
Molecular consequence: intron variant.
Genome position (GRCh38, 1-based): chr12:132,675,970, T>C on the plus strand (A>G on the coding strand, the complement: POLE is on the minus strand). VCF-style: chr12-132675970-T-C. GRCh37 (hg19) VCF-style: chr12-133252556-T-C.
Identifiers: ClinVar variation 676487 (VCV000676487.2), dbSNP rs4883545, ClinGen allele CA13640044.
Genomic context (GRCh38, chr12:132,675,970, plus strand): 5'-TCATGTTGGCCCTTATTCCTGCCCCGCCCCTCCGCCCGTCTCTGGCAGAAAAGACGGTCA[T>C]ACCCTGAGAACAAAGCTCATGGAGCTGCAATTCTGATCTGACGGAATGCCTGAGGCCTTG-3'